The following is an entry in ClinVar:

Conditions:
Breast-ovarian cancer, familial, susceptibility to, 1 (BROVCA1). Also called: BRCA1 Hereditary Breast and Ovarian Cancer; OVARIAN CANCER, SUSCEPTIBILITY TO. Identifiers: Orphanet 145, MedGen C2676676, MONDO:0011450, OMIM 604370. Disease mechanism: loss of function.

Submission:

Brotman Baty Institute, University of Washington
No classification provided (evidence only). Condition: Breast-ovarian cancer, familial 1. Review status: no classification provided. Collection method: in vitro. Allele origin: not applicable. Functional consequence: functionally_normal.
ClinVar note: "not provided" was previously submitted as the classification for the variant. However, the classification appeared to be based only on an observation of functional data so it was converted to no classification on 2025-07-30.

NM_007294.4(BRCA1):c.5278-11T>A

Gene: BRCA1 (BRCA1 DNA repair associated; minus strand). Cytogenetic location: 17q21.31.
Variant type: single nucleotide variant.
Coding change: c.5278-11T>A on transcript NM_007294.4 (MANE Select); 11 bases into the intron before coding-DNA position 5278, T replaced by A.
Molecular consequence: intron variant.
Genome position (GRCh38, 1-based): chr17:43,051,128, A>T on the plus strand (T>A on the coding strand, the complement: BRCA1 is on the minus strand). VCF-style: chr17-43051128-A-T. GRCh37 (hg19) VCF-style: chr17-41203145-A-T.
Other names: c.5014-11T>A (NM_001407926.1, NM_001407924.1, NM_001407920.1 and 4 more transcripts); c.5131-11T>A (NM_001407851.1, NM_001407849.1, NM_001407845.1 and 12 more transcripts); c.5134-11T>A (NM_001407735.1, NM_001407744.1, NM_001407750.1 and 21 more transcripts); c.5137-11T>A (NM_001407729.1, NM_001407698.1, NM_001407942.1 and 13 more transcripts); c.5065-11T>A (NM_001407899.1, NM_001407895.1, NM_001407910.1 and 12 more transcripts); c.1639-11T>A (NM_001408507.1); c.1723-11T>A (NM_001408495.1); c.1840-11T>A (NM_001408448.1, NM_001408445.1, NM_001408450.1 and 2 more transcripts); and 74 more.
Identifiers: ClinVar variation 868276 (VCV000868276.3), dbSNP rs1567760749, ClinGen allele CA916081072.
Genomic context (GRCh38, chr17:43,051,128, plus strand): 5'-GGCATGTTGGTGAAGGGCCCATAGCAACAGATTTCTAGCCCCCTGAAGATCTGGAAGAAG[A>T]GAGGAAGAGAGAGGGACAGGGGAATGGAGAGAAGGAAAATCTAGTTATAAAAGAATATTG-3'